The following is an entry in ClinVar:

GRCh38/hg38 Xp22.31(chrX:6570680-8082609)x3

Genes: MIR4767 (microRNA 4767; plus strand), PNPLA4 (patatin like phospholipase domain containing 4; minus strand), PUDP (pseudouridine 5'-phosphatase; minus strand), STS (steroid sulfatase; plus strand), VCX (variable charge X-linked; plus strand) and 20 more. Cytogenetic location: Xp22.31.
Variant type: copy number gain.
Change: copy number 3 of chrX:6,570,680-8,082,609 (1.51 Mb, GRCh38 coordinates, 1-based), cytogenetic band Xp22.31.
Identifiers: ClinVar variation 144124 (VCV000144124.1).

ClinVar aggregate classification (germline): Benign (1 of 4 stars; one submission).

Submission:

ISCA site 4
Classification: Benign. Last evaluated: 2011-08-12. Review status: criteria provided, single submitter. Criteria: Kaminsky et al. (Genet Med. 2011). Collection method: clinical testing. Allele origin: unknown. Affected: yes. Observed: 2 variant alleles.
Comment: Copy number variation identified through the course of routine clinical cytogenomic testing in postnatal populations. Clinical assertions have been curated as described in Kaminsky et al. 2011.